The following is an entry in ClinVar:

ClinVar aggregate classification (germline): Likely benign. Review status: reviewed by expert panel (3 of 4 stars). 7 submissions from 7 submitters: Likely benign (1). 6 of the submissions do not count toward it. Last evaluated 2026-01-06.

Conditions:
DICER1-related disorder. Also called: DICER1-related condition.
DICER1-related tumor predisposition. Also called: DICER1 syndrome; DICER1-related pleuropulmonary blastoma cancer predisposition syndrome. Identifiers: Orphanet 284343, MedGen C3839822, MONDO:0100216.
Hereditary cancer-predisposing syndrome. Also called: Neoplastic Syndromes, Hereditary; Hereditary neoplastic syndrome; Hereditary Cancer Syndrome; Tumor predisposition. Identifiers: Orphanet 140162, MedGen C0027672, MeSH D009386, MONDO:0015356.

Allele frequency attached by ClinVar (database versions not stated): ExAC 0.00002; gnomAD exomes 0.00002; TOPMed 0.00002; gnomAD 0.00003 and 0.00004; ESP Exome Variant Server 0.00015.

Submissions (7):

ClinGen DICER1 and miRNA-Processing Gene Variant Curation Expert Panel, ClinGen
Classification: Likely benign for DICER1-related tumor predisposition. Last evaluated: 2026-01-06. Review status: reviewed by expert panel. Criteria: ClinGen DICER1 ACMG Specifications DICER1 V1.4.0. Collection method: curation. Allele origin: germline. Inheritance: Autosomal dominant inheritance.
Comment: The NM_177438.3:c.1583T>C variant in DICER1 is a missense variant predicted to cause substitution of isoleucine by threonine at amino acid 528 (p.Ile528Thr). This variant has been seen in 40 or more unrelated females without tumors through age 50 in at least one testing laboratory (BS2; Internal lab contributors). The total allele frequency in gnomAD v4.1.0 is 0.000047 (76/1612760 alleles) with a highest population minor allele frequency of 0.00003390 (40/1179970 alleles) in the European (non-Finnish) population (PM2_Supporting, BS1, and BA1 are not met). The computational predictor REVEL gives a score of 0.73, which is neither above nor below the thresholds predicting a damaging or benign impact on DICER1 function (PP3 and BP4 not met). In summary, this variant meets the criteria to be classified as Likely Benign for DICER1-related tumor predisposition based on the ACMG/AMP criteria applied, as specified by the ClinGen DICER1 VCEP: BS2 (Bayesian Points: -4; VCEP specifications version 1.4.0; 01/06/2026)

PreventionGenetics, part of Exact Sciences
Classification: Uncertain significance for DICER1-related condition. Last evaluated: 2026-03-09. Review status: criteria provided, single submitter. Criteria: ACMG Guidelines, 2015. Collection method: clinical testing. Allele origin: germline. Not counted in ClinVar's aggregate classification.
Comment: The DICER1 c.1583T>C variant is predicted to result in the amino acid substitution p.Ile528Thr. This variant is located in the C-terminal helicase protein domain and is reported in 0.0046% of alleles in individuals of European (Non-Finnish) descent in gnomAD. This variant has been reported in the germline of two individuals with lymphoid neoplasm diffuse large B-cell lymphoma or head and neck squamous cell carcinoma, but its significance is unknown (Kim et al. 2019. PubMed ID: 30672147). In ClinVar this variant has interpretations ranging from likely benign to uncertain (Variation ID: 242046). At this time, the clinical significance of this variant is uncertain due to the absence of conclusive functional and genetic evidence.

Labcorp Genetics (formerly Invitae), Labcorp
Classification: Uncertain significance for DICER1-related tumor predisposition. Last evaluated: 2026-01-16. Review status: criteria provided, single submitter. Criteria: Invitae Variant Classification Sherloc (09022015). Collection method: clinical testing. Allele origin: germline. Not counted in ClinVar's aggregate classification.
Comment: This sequence change replaces isoleucine, which is neutral and non-polar, with threonine, which is neutral and polar, at codon 528 of the DICER1 protein (p.Ile528Thr). This variant is present in population databases (rs143099538, gnomAD 0.005%). This missense change has been observed in individual(s) with lymphoid neoplasm diffuse large B‐cell lymphoma and an individual with head and neck squamous cell carcinoma (PMID: 30672147). ClinVar contains an entry for this variant (Variation ID: 242046). Invitae Evidence Modeling of protein sequence and biophysical properties (such as structural, functional, and spatial information, amino acid conservation, physicochemical variation, residue mobility, and thermodynamic stability) has been performed for this missense variant. However, the output from this modeling did not meet the statistical confidence thresholds required to predict the impact of this variant on DICER1 protein function. In summary, the available evidence is currently insufficient to determine the role of this variant in disease. Therefore, it has been classified as a Variant of Uncertain Significance.

Ambry Genetics
Classification: Uncertain significance for Hereditary cancer-predisposing syndrome. Last evaluated: 2025-01-03. Review status: criteria provided, single submitter. Criteria: Ambry Variant Classification Scheme 2023. Collection method: clinical testing. Allele origin: germline. Not counted in ClinVar's aggregate classification.
Comment: The p.I528T variant (also known as c.1583T>C), located in coding exon 9 of the DICER1 gene, results from a T to C substitution at nucleotide position 1583. The isoleucine at codon 528 is replaced by threonine, an amino acid with similar properties. In a study of DICER1 variants in 9173 exomes from The Cancer Genome Atlas and 175 exomes from the Therapeutically Applicable Research to Generate Effective Treatment, this variant was reported in two cases (Kim J et al. Mol Genet Genomic Med, 2019 03;7:e555). This amino acid position is highly conserved in available vertebrate species. In addition, this alteration is predicted to be deleterious by in silico analysis. Based on the available evidence, the clinical significance of this variant remains unclear.

Blueprint Genetics
Classification: Uncertain significance. Last evaluated: 2024-05-06. Review status: criteria provided, single submitter. Criteria: ACMG Guidelines, 2015. Collection method: clinical testing. Allele origin: germline. Not counted in ClinVar's aggregate classification.

GeneDx
Classification: Uncertain significance. Last evaluated: 2023-05-05. Review status: criteria provided, single submitter. Criteria: GeneDx Variant Classification Process June 2021. Collection method: clinical testing. Allele origin: germline. Affected: yes. Not counted in ClinVar's aggregate classification.
Comment: In silico analysis supports that this missense variant has a deleterious effect on protein structure/function; Reported as a germline variant in an individual with lymphoma and in an individual with head and neck cancer (Kim et al., 2019); This variant is associated with the following publications: (PMID: 30672147)

ARUP Laboratories, Molecular Genetics and Genomics, ARUP Laboratories
Classification: Uncertain significance. Last evaluated: 2019-02-17. Review status: criteria provided, single submitter. Criteria: ARUP Molecular Germline Variant Investigation Process. Collection method: clinical testing. Allele origin: germline. Not counted in ClinVar's aggregate classification.
Comment: The DICER1 c.1583T>C; p.Ile528Thr variant (rs143099538) is reported in the germline of an individual with lymphoid neoplasm diffuse large B-cell lymphoma and an individual with head and neck squamous cell carcinoma (Kim 2019). This variant is reported as uncertain in ClinVar (Variation ID: 242046). It is found in the general population with an overall allele frequency of 0.002% (6/282800 alleles) in the Genome Aggregation Database. The isoleucine at codon 528 is moderately conserved, and computational analyses (SIFT, PolyPhen-2) predict that this variant is deleterious. Due to limited information, the clinical significance of this variant is uncertain at this time. REFERENCES Kim J et al. The prevalence of germline DICER1 pathogenic variation in cancer populations. Mol Genet Genomic Med. 2019 Jan 22:e555.

Literature cited by the submitters: PubMed 30672147 (cited by Labcorp Genetics (formerly Invitae), Labcorp and Ambry Genetics); PubMed 27930734 (cited by Ambry Genetics).

NM_177438.3(DICER1):c.1583T>C (p.Ile528Thr)

Gene: DICER1 (dicer 1, ribonuclease III; minus strand). Cytogenetic location: 14q32.13.
Variant type: single nucleotide variant.
Coding change: c.1583T>C on transcript NM_177438.3 (MANE Select); coding-DNA position 1583, T replaced by C.
Protein change: p.Ile528Thr; replaces isoleucine 528 with threonine.
Molecular consequence: missense variant.
Genome position (GRCh38, 1-based): chr14:95,116,622, A>G on the plus strand (T>C on the coding strand, the complement: DICER1 is on the minus strand). VCF-style: chr14-95116622-A-G. GRCh37 (hg19) VCF-style: chr14-95582959-A-G.
Other names: NM_177438.3(DICER1):c.1583T>C; p.Ile528Thr; c.1583T>C, p.Ile528Thr (NM_001195573.1, NM_001271282.3, NM_001291628.2 and 1 more transcripts); short protein forms I528T.
Identifiers: ClinVar variation 242046 (VCV000242046.26), dbSNP rs143099538, ClinGen allele CA7331449.